The following is an entry in ClinVar:

NM_153717.3(EVC):c.1502A>C (p.Gln501Pro)

Gene: EVC (EvC ciliary complex subunit 1; plus strand). Cytogenetic location: 4p16.2.
Variant type: single nucleotide variant.
Coding change: c.1502A>C on transcript NM_153717.3 (MANE Select); coding-DNA position 1502, A replaced by C.
Protein change: p.Gln501Pro; replaces glutamine 501 with proline.
Molecular consequence: missense variant.
Genome position (GRCh38, 1-based): chr4:5,756,301, A>C. VCF-style: chr4-5756301-A-C. GRCh37 (hg19) VCF-style: chr4-5758028-A-C.
Other names: c.1502A>C, p.Gln501Pro (NM_001306090.2, NM_001306092.2); short protein forms Q501P.
Identifiers: ClinVar variation 4976149 (VCV004976149.1).

ClinVar aggregate classification (germline): Uncertain significance (1 of 4 stars; one submission).

Submission:

GeneDx
Classification: Uncertain significance. Last evaluated: 2026-02-03. Review status: criteria provided, single submitter. Criteria: GeneDx Variant Classification Process June 2021. Collection method: clinical testing. Allele origin: germline.
Comment: Not observed at significant frequency in large population cohorts (gnomAD); In silico analysis supports that this missense variant has a deleterious effect on protein structure/function; Has not been previously published as pathogenic or benign to our knowledge